The following is an entry in ClinVar:

NM_001256545.2(MEGF10):c.1927G>A (p.Gly643Ser)

Gene: MEGF10 (multiple EGF like domains 10; plus strand). Cytogenetic location: 5q23.2.
Variant type: single nucleotide variant.
Coding change: c.1927G>A on transcript NM_001256545.2 (MANE Select); coding-DNA position 1927, G replaced by A.
Protein change: p.Gly643Ser; replaces glycine 643 with serine.
Molecular consequence: missense variant.
Genome position (GRCh38, 1-based): chr5:127,434,773, G>A. VCF-style: chr5-127434773-G-A. GRCh37 (hg19) VCF-style: chr5-126770465-G-A.
Other names: c.1927G>A, p.Gly643Ser (NM_032446.3); short protein forms G643S.
Identifiers: ClinVar variation 938404 (VCV000938404.10), dbSNP rs767856393, ClinGen allele CA3391785.

ClinVar aggregate classification (germline): Uncertain significance (1 of 4 stars; one submission).

Conditions:
MEGF10-related myopathy (CMYO10A). Also called: Congenital myopathy 10A, severe variant. Identifiers: Orphanet 439212, MedGen C3280679, MONDO:0013731, OMIM 614399.

Allele frequency attached by ClinVar (database versions not stated): gnomAD exomes below 0.00001 and 0.00001; TOPMed 0.00001; ExAC 0.00002.
gnomAD v4.1: 6 of 1,613,708 alleles (0.00037%); highest among the groups gnomAD compares: East Asian, 0.0022%; no homozygotes.

Submission:

Labcorp Genetics (formerly Invitae), Labcorp
Classification: Uncertain significance for MEGF10-related myopathy. Last evaluated: 2022-09-27. Review status: criteria provided, single submitter. Criteria: Invitae Variant Classification Sherloc (09022015). Collection method: clinical testing. Allele origin: germline.
Comment: This variant has not been reported in the literature in individuals affected with MEGF10-related conditions. This variant is present in population databases (rs767856393, gnomAD 0.006%). This sequence change replaces glycine, which is neutral and non-polar, with serine, which is neutral and polar, at codon 643 of the MEGF10 protein (p.Gly643Ser). ClinVar contains an entry for this variant (Variation ID: 938404). In summary, the available evidence is currently insufficient to determine the role of this variant in disease. Therefore, it has been classified as a Variant of Uncertain Significance. Algorithms developed to predict the effect of sequence changes on RNA splicing suggest that this variant may create or strengthen a splice site. Algorithms developed to predict the effect of missense changes on protein structure and function (SIFT, PolyPhen-2, Align-GVGD) all suggest that this variant is likely to be disruptive.